The following is an entry in ClinVar:

ClinVar aggregate classification (germline): Uncertain significance. Review status: criteria provided, multiple submitters, no conflicts (2 of 4 stars). 2 submissions from 2 submitters: Uncertain significance (2). Last evaluated 2025-05-22.

Conditions:
Charcot-Marie-Tooth disease type 4A. Also called: Charcot-Marie-Tooth disease, demyelinating, autosomal recessive, type 4a. Identifiers: Orphanet 99948, MedGen C1859198, MONDO:0008961, OMIM 214400.
Inborn genetic diseases. Identifiers: MedGen C0950123, MeSH D030342.

Allele frequency attached by ClinVar (database versions not stated): gnomAD exomes 0.00001 and 0.00003; gnomAD 0.00001; TOPMed 0.00002.
gnomAD v4.1: 21 of 1,610,070 alleles (0.0013%); highest among the groups gnomAD compares: Non-Finnish European, 0.000085%; no homozygotes.

Submissions (2):

Labcorp Genetics (formerly Invitae), Labcorp
Classification: Uncertain significance for Charcot-Marie-Tooth disease type 4A. Last evaluated: 2025-05-22. Review status: criteria provided, single submitter. Criteria: Invitae Variant Classification Sherloc (09022015). Collection method: clinical testing. Allele origin: germline.
Comment: This sequence change replaces alanine, which is neutral and non-polar, with proline, which is neutral and non-polar, at codon 175 of the GDAP1 protein (p.Ala175Pro). This variant is present in population databases (no rsID available, gnomAD 0.07%). This variant has not been reported in the literature in individuals affected with GDAP1-related conditions. ClinVar contains an entry for this variant (Variation ID: 657278). Invitae Evidence Modeling of protein sequence and biophysical properties (such as structural, functional, and spatial information, amino acid conservation, physicochemical variation, residue mobility, and thermodynamic stability) indicates that this missense variant is not expected to disrupt GDAP1 protein function with a negative predictive value of 80%. In summary, the available evidence is currently insufficient to determine the role of this variant in disease. Therefore, it has been classified as a Variant of Uncertain Significance.

Ambry Genetics
Classification: Uncertain significance for Inborn genetic diseases. Last evaluated: 2021-04-27. Review status: criteria provided, single submitter. Criteria: Ambry Variant Classification Scheme 2023. Collection method: clinical testing. Allele origin: germline.
Comment: The p.A175P variant (also known as c.523G>C), located in coding exon 4 of the GDAP1 gene, results from a G to C substitution at nucleotide position 523. The alanine at codon 175 is replaced by proline, an amino acid with highly similar properties. This amino acid position is well conserved in available vertebrate species. In addition, this alteration is predicted to be deleterious by in silico analysis. Since supporting evidence is limited at this time, the clinical significance of this alteration remains unclear.

NM_018972.4(GDAP1):c.523G>C (p.Ala175Pro)

Gene: GDAP1 (ganglioside induced differentiation associated protein 1; plus strand). Cytogenetic location: 8q21.11.
Variant type: single nucleotide variant.
Coding change: c.523G>C on transcript NM_018972.4 (MANE Select); coding-DNA position 523, G replaced by C.
Protein change: p.Ala175Pro; replaces alanine 175 with proline.
Molecular consequence: missense variant.
Genome position (GRCh38, 1-based): chr8:74,361,922, G>C. VCF-style: chr8-74361922-G-C. GRCh37 (hg19) VCF-style: chr8-75274157-G-C.
Other names: c.319G>C, p.Ala107Pro (NM_001040875.4); c.196G>C, p.Ala66Pro (NM_001362929.2, NM_001362932.2); c.349G>C, p.Ala117Pro (NM_001362930.2); c.523G>C, p.Ala175Pro (NM_001362931.2); short protein forms A175P, A107P, A66P, A117P.
Identifiers: ClinVar variation 657278 (VCV000657278.12), dbSNP rs1362886530, ClinGen allele CA371549071.